The following is an entry in ClinVar:

NM_004415.4(DSP):c.6181C>G (p.Pro2061Ala)

Gene: DSP (desmoplakin; plus strand). Cytogenetic location: 6p24.3.
Variant type: single nucleotide variant.
Coding change: c.6181C>G on transcript NM_004415.4 (MANE Select); coding-DNA position 6181, C replaced by G.
Protein change: p.Pro2061Ala; replaces proline 2061 with alanine.
Molecular consequence: missense variant.
Genome position (GRCh38, 1-based): chr6:7,583,443, C>G. VCF-style: chr6-7583443-C-G. GRCh37 (hg19) VCF-style: chr6-7583676-C-G.
Other names: c.6181C>G (LRG_423t1); c.4384C>G, p.Pro1462Ala (NM_001008844.3); c.4852C>G, p.Pro1618Ala (NM_001319034.2); short protein forms P2061A, P1462A, P1618A.
Identifiers: ClinVar variation 629635 (VCV000629635.6), dbSNP rs1561702055, ClinGen allele CA362690252.

ClinVar aggregate classification (germline): Uncertain significance. Review status: criteria provided, multiple submitters, no conflicts (2 of 4 stars). 2 submissions from 2 submitters: Uncertain significance (2). Last evaluated 2024-06-17.

Conditions:
Arrhythmogenic cardiomyopathy with wooly hair and keratoderma. Also called: PALMOPLANTAR KERATODERMA WITH LEFT VENTRICULAR CARDIOMYOPATHY AND WOOLLY HAIR; Carvajal syndrome; Dilated cardiomyopathy with woolly hair and keratoderma; Arrhythmogenic cardiomyopathy with woolly hair and keratoderma. Identifiers: Orphanet 65282, MedGen C1854063, MONDO:0011581, OMIM 605676.
Arrhythmogenic right ventricular dysplasia 8 (ARVD8). Also called: ARRHYTHMOGENIC RIGHT VENTRICULAR DYSPLASIA, FAMILIAL, 8; ARRHYTHMOGENIC RIGHT VENTRICULAR CARDIOMYOPATHY 8; Arrhythmogenic Right Ventricular Dysplasia/Cardiomyopathy 8. Identifiers: MedGen C1843896, MONDO:0011831, OMIM 607450.
Cardiomyopathy (CMYO). Also called: Cardiomyopathies. Identifiers: Orphanet 167848, MedGen C0878544, MONDO:0004994, HP:0001638. Inheritance: Various modes of inheritance.

Submissions (2):

Labcorp Genetics (formerly Invitae), Labcorp
Classification: Uncertain significance for Arrhythmogenic cardiomyopathy with wooly hair and keratoderma; Arrhythmogenic right ventricular dysplasia 8. Last evaluated: 2024-06-17. Review status: criteria provided, single submitter. Criteria: Invitae Variant Classification Sherloc (09022015). Collection method: clinical testing. Allele origin: germline.
Comment: This sequence change replaces proline, which is neutral and non-polar, with alanine, which is neutral and non-polar, at codon 2061 of the DSP protein (p.Pro2061Ala). This variant is not present in population databases (gnomAD no frequency). This variant has not been reported in the literature in individuals affected with DSP-related conditions. ClinVar contains an entry for this variant (Variation ID: 629635). An algorithm developed to predict the effect of missense changes on protein structure and function (PolyPhen-2) suggests that this variant is likely to be disruptive. In summary, the available evidence is currently insufficient to determine the role of this variant in disease. Therefore, it has been classified as a Variant of Uncertain Significance.

Color Diagnostics, LLC DBA Color Health
Classification: Uncertain significance for Cardiomyopathy. Last evaluated: 2023-12-05. Review status: criteria provided, single submitter. Criteria: ACMG Guidelines, 2015. Collection method: clinical testing. Allele origin: germline.
Comment: Variant of Uncertain Significance due to insufficient evidence: This missense variant is located in the C-terminal plakin repeat domain A of the DSP protein. Computational prediction tools and conservation analyses suggest that this variant may have deleterious impact on the protein function. Computational splicing tools suggest that this variant may not impact RNA splicing. To our knowledge, functional assays have not been performed for this variant nor has this variant been reported in individuals affected with cardiovascular disorders in the literature. This variant is rare in the general population and has been identified in 0/277264 chromosomes by the Genome Aggregation Database (gnomAD). Available evidence is insufficient to determine the pathogenicity of this variant conclusively.